The following is an entry in ClinVar:

NM_000504.4(F10):c.545G>T (p.Arg182Met)

Genes: F10 (coagulation factor X; plus strand), F10-AS2 (F10 antisense RNA 2; minus strand). Cytogenetic location: 13q34.
Variant type: single nucleotide variant.
Coding change: c.545G>T on transcript NM_000504.4 (MANE Select); coding-DNA position 545, G replaced by T.
Protein change: p.Arg182Met; replaces arginine 182 with methionine.
Molecular consequence: missense variant.
Genome position (GRCh38, 1-based): chr13:113,143,893, G>T. VCF-style: chr13-113143893-G-T. GRCh37 (hg19) VCF-style: chr13-113798207-G-T.
Other names: c.413G>T, p.Arg138Met (NM_001312674.2); c.545G>T, p.Arg182Met (NM_001312675.2); short protein forms R138M, R182M.
Identifiers: ClinVar variation 4686735 (VCV004686735.1).
Genomic context (GRCh38, chr13:113,143,893, plus strand): 5'-CCGTCCTCTTTCTTTCAGGGCCCTACCCCTGTGGGAAACAGACCCTGGAACGCAGGAAGA[G>T]GTCAGTGGCCCAGGCCACCAGCAGCAGCGGGGAGGCCCCTGACAGCATCACATGGAAGCC-3'
Protein context (NP_000495.1, residues 172-192): CGKQTLERRK[Arg182Met]SVAQATSSSG

ClinVar aggregate classification (germline): Uncertain significance (1 of 4 stars; one submission).

Submission:

GeneDx
Classification: Uncertain significance. Last evaluated: 2025-07-25. Review status: criteria provided, single submitter. Criteria: GeneDx Variant Classification Process June 2021. Collection method: clinical testing. Allele origin: germline. Affected: yes.
Comment: Reported as Arg142Met in a patient with gum bleed and haematomas; the patient also harbored an additional F10 variant in unknown phase (PMID: 16919077); Not observed at significant frequency in large population cohorts (gnomAD); In silico analysis supports that this missense variant has a deleterious effect on protein structure/function; This variant is associated with the following publications: (PMID: 16919077)